The following is an entry in ClinVar:

NM_033004.4(NLRP1):c.23G>A (p.Arg8His)

Genes: NLRP1 (NLR family pyrin domain containing 1; minus strand), LOC126862475 (CDK7 strongly-dependent group 2 enhancer GRCh37_chr17:5487167-5488366; plus strand). Cytogenetic location: 17p13.2.
Variant type: single nucleotide variant.
Coding change: c.23G>A on transcript NM_033004.4 (MANE Select); coding-DNA position 23, G replaced by A.
Protein change: p.Arg8His; replaces arginine 8 with histidine.
Molecular consequence: missense variant.
Genome position (GRCh38, 1-based): chr17:5,583,935, C>T on the plus strand (G>A on the coding strand, the complement: NLRP1 is on the minus strand). VCF-style: chr17-5583935-C-T. GRCh37 (hg19) VCF-style: chr17-5487255-C-T.
Other names: c.23G>A, p.Arg8His (NM_001033053.3, NM_014922.5, NM_033006.4 and 1 more transcripts); short protein forms R8H.
Identifiers: ClinVar variation 2172741 (VCV002172741.4), dbSNP rs200371400, ClinGen allele CA8327662.

ClinVar aggregate classification (germline): Uncertain significance (1 of 4 stars; one submission).

Allele frequency attached by ClinVar (database versions not stated): ExAC 0.00005; gnomAD 0.00007; TOPMed 0.00007; ESP Exome Variant Server 0.00015.
gnomAD v4.1: 118 of 1,609,198 alleles (0.0073%); highest among the groups gnomAD compares: Non-Finnish European, 0.0087%; no homozygotes.

Submission:

Labcorp Genetics (formerly Invitae), Labcorp
Classification: Uncertain significance. Last evaluated: 2025-09-13. Review status: criteria provided, single submitter. Criteria: Invitae Variant Classification Sherloc (09022015). Collection method: clinical testing. Allele origin: germline.
Comment: This sequence change replaces arginine, which is basic and polar, with histidine, which is basic and polar, at codon 8 of the NLRP1 protein (p.Arg8His). This variant is present in population databases (rs200371400, gnomAD 0.01%). This variant has not been reported in the literature in individuals affected with NLRP1-related conditions. ClinVar contains an entry for this variant (Variation ID: 2172741). An algorithm developed to predict the effect of missense changes on protein structure and function (PolyPhen-2) suggests that this variant is likely to be disruptive. In summary, the available evidence is currently insufficient to determine the role of this variant in disease. Therefore, it has been classified as a Variant of Uncertain Significance.